The following is an entry in ClinVar:

ClinVar aggregate classification (germline): Pathogenic (1 of 4 stars; one submission).

Conditions:
Fanconi anemia (FA). Also called: Fanconi's anemia. Identifiers: Orphanet 84, MedGen C0015625, MeSH D005199, MONDO:0019391.

Submission:

Labcorp Genetics (formerly Invitae), Labcorp
Classification: Pathogenic for Fanconi anemia. Last evaluated: 2021-05-17. Review status: criteria provided, single submitter. Criteria: Invitae Variant Classification Sherloc (09022015). Collection method: clinical testing. Allele origin: germline.
Comment: This variant is not present in population databases (ExAC no frequency). This sequence change creates a premature translational stop signal (p.Trp209*) in the FANCA gene. It is expected to result in an absent or disrupted protein product. Loss-of-function variants in FANCA are known to be pathogenic (PMID: 19367192). For these reasons, this variant has been classified as Pathogenic. Algorithms developed to predict the effect of sequence changes on RNA splicing suggest that this variant may create or strengthen a splice site, but this prediction has not been confirmed by published transcriptional studies. This variant has not been reported in the literature in individuals with FANCA-related conditions.

Literature cited by the submitters: PubMed 19367192.

NM_000135.4(FANCA):c.626G>A (p.Trp209Ter)

Gene: FANCA (FA complementation group A; minus strand). Cytogenetic location: 16q24.3.
Variant type: single nucleotide variant.
Coding change: c.626G>A on transcript NM_000135.4 (MANE Select); coding-DNA position 626, G replaced by A.
Protein change: p.Trp209Ter; replaces tryptophan 209 with a stop codon.
Molecular consequence: nonsense.
Genome position (GRCh38, 1-based): chr16:89,805,363, C>T on the plus strand (G>A on the coding strand, the complement: FANCA is on the minus strand). VCF-style: chr16-89805363-C-T. GRCh37 (hg19) VCF-style: chr16-89871771-C-T.
Other names: c.626G>A, p.Trp209Ter (NM_001018112.3, NM_001286167.3); c.530G>A, p.Trp177Ter (NM_001351830.2); short protein forms W209*, W177*.
Identifiers: ClinVar variation 1457676 (VCV001457676.6), dbSNP rs2143632171, ClinGen allele CA397478137.
Genomic context (GRCh38, chr16:89,805,363, plus strand): 5'-TCAGCATGCTGGCAGGATGCTTCCATCTGTTCACAAAGGCAGCACAGATTCCTGAAGAGC[C>T]ACGATCCCACAGCATGCATGTCGGGATGGCTGGAGACACACACAGAGGCAGACGTAAGGC-3'